The following is an entry in ClinVar:

NM_001303052.2(MYT1L):c.2316_2317del (p.Leu773fs)

Gene: MYT1L (myelin transcription factor 1 like; minus strand). Cytogenetic location: 2p25.3.
Variant type: Deletion.
Coding change: c.2316_2317del on transcript NM_001303052.2 (MANE Select); coding-DNA positions 2316 to 2317, 2 bases deleted (CC; older notation c.2316_2317delCC).
Protein change: p.Leu773fs; shifts the reading frame from leucine 773.
Molecular consequence: frameshift variant.
Genome position (GRCh38, 1-based): chr2:1,889,444-1,889,445, GG deleted on the plus strand (CC on the coding strand, the reverse complement: MYT1L is on the minus strand); deleting any 2 consecutive bases within chr2:1,889,444-1,889,446 gives the same sequence; the c. name uses the placement nearest the transcript's 3' end. VCF-style (leftmost placement, unchanged base first): chr2-1889443-AGG-A. GRCh37 (hg19) VCF-style: chr2-1893215-AGG-A.
Other names: c.2316_2317del, p.Leu773fs (NM_001329844.2, NM_001329845.1, NM_001329851.3); c.2310_2311del, p.Leu771fs (NM_001329846.3, NM_001329847.2, NM_001329848.1 and 3 more transcripts); short protein forms L771fs, L773fs.
Identifiers: ClinVar variation 4838640 (VCV004838640.1).

ClinVar aggregate classification (germline): Pathogenic (1 of 4 stars; one submission).

Conditions:
Inborn genetic diseases. Identifiers: MedGen C0950123, MeSH D030342.

Submission:

Ambry Genetics
Classification: Pathogenic for Inborn genetic diseases. Last evaluated: 2026-01-14. Review status: criteria provided, single submitter. Criteria: Ambry Variant Classification Scheme 2023. Collection method: clinical testing. Allele origin: germline.
Comment: The c.2310_2311delCC (p.L771Gfs*138) alteration, located in exon 16 (coding exon 11) of the MYT1L gene, consists of a deletion of 2 nucleotides from position 2310 to 2311, causing a translational frameshift with a predicted alternate stop codon after 138 amino acids. This alteration is expected to result in loss of function by premature protein truncation or nonsense-mediated mRNA decay. This variant was not reported in population-based cohorts in the Genome Aggregation Database (gnomAD). Based on the available evidence, this alteration is classified as pathogenic.